The following is an entry in ClinVar:

NM_001386298.1(CIC):c.1428C>T (p.Ala476=)

Gene: CIC (capicua transcriptional repressor; plus strand). Cytogenetic location: 19q13.2.
Variant type: single nucleotide variant.
Coding change: c.1428C>T on transcript NM_001386298.1 (MANE Select); coding-DNA position 1428, C replaced by T.
Protein change: p.Ala476=; no amino-acid change (alanine 476 retained).
Molecular consequence: synonymous variant.
Genome position (GRCh38, 1-based): chr19:42,273,211, C>T. VCF-style: chr19-42273211-C-T. GRCh37 (hg19) VCF-style: chr19-42777363-C-T.
Other names: c.1428C>T, p.Ala476= (NM_001304815.2, NM_001379480.1, NM_001379482.1 and 1 more transcripts).
Identifiers: ClinVar variation 3049911 (VCV003049911.2), dbSNP rs536777917, ClinGen allele CA308615271.

ClinVar aggregate classification (germline): Likely benign (0 of 4 stars; one submission).

Conditions:
CIC-related disorder. Also called: CIC-related condition.

Allele frequency attached by ClinVar (database versions not stated): gnomAD exomes 0.00007; gnomAD 0.00019; TOPMed 0.00025; 1000 Genomes Project 30x 0.00047; 1000 Genomes Project 0.00060.
gnomAD v4.1: 49 of 398,628 alleles (0.012%); highest among the groups gnomAD compares: African/African-American, 0.053%; no homozygotes.

Submission:

PreventionGenetics, part of Exact Sciences
Classification: Likely benign for CIC-related condition. Last evaluated: 2019-07-16. Review status: no assertion criteria provided. Collection method: clinical testing. Allele origin: germline.
Comment: This variant is classified as likely benign based on ACMG/AMP sequence variant interpretation guidelines (Richards et al. 2015 PMID: 25741868, with internal and published modifications).